The following is an entry in ClinVar:

ClinVar aggregate classification (germline): Uncertain significance (1 of 4 stars; one submission).

gnomAD v4.1: 5 of 1,614,096 alleles (0.00031%); highest among the groups gnomAD compares: East Asian, 0.0022%; no homozygotes.

Submission:

Ambry Genetics
Classification: Uncertain significance. Last evaluated: 2023-10-12. Review status: criteria provided, single submitter. Criteria: Ambry Variant Classification Scheme 2023. Collection method: clinical testing. Allele origin: germline.
Comment: The p.R317L variant (also known as c.950G>T), located in coding exon 6 of the IDH1 gene, results from a G to T substitution at nucleotide position 950. The arginine at codon 317 is replaced by leucine, an amino acid with dissimilar properties. This amino acid position is conserved. In addition, this alteration is predicted to be deleterious by in silico analysis. Since supporting evidence is limited at this time, the clinical significance of this alteration remains unclear.

NM_005896.4(IDH1):c.950G>T (p.Arg317Leu)

Gene: IDH1 (isocitrate dehydrogenase (NADP(+)) 1; minus strand). Cytogenetic location: 2q34.
Variant type: single nucleotide variant.
Coding change: c.950G>T on transcript NM_005896.4 (MANE Select); coding-DNA position 950, G replaced by T.
Protein change: p.Arg317Leu; replaces arginine 317 with leucine.
Molecular consequence: missense variant.
Genome position (GRCh38, 1-based): chr2:208,239,904, C>A on the plus strand (G>T on the coding strand, the complement: IDH1 is on the minus strand). VCF-style: chr2-208239904-C-A. GRCh37 (hg19) VCF-style: chr2-209104628-C-A.
Other names: c.950G>T, p.Arg317Leu (NM_001282386.1, NM_001282387.1); short protein forms R317L.
Identifiers: ClinVar variation 1767223 (VCV001767223.2), dbSNP rs1294399146, ClinGen allele CA350095118.